The following is an entry in ClinVar:

ClinVar aggregate classification (germline): Uncertain significance (1 of 4 stars; one submission).

Conditions:
Inborn genetic diseases. Identifiers: MedGen C0950123, MeSH D030342.

Allele frequency attached by ClinVar (database versions not stated): gnomAD exomes below 0.00001; TOPMed 0.00001.
gnomAD v4.1: 1 of 1,598,110 alleles (0.000063%); highest among the groups gnomAD compares: Non-Finnish European, 0.000085%; no homozygotes.

Submission:

Ambry Genetics
Classification: Uncertain significance for Inborn genetic diseases. Last evaluated: 2018-11-16. Review status: criteria provided, single submitter. Criteria: Ambry Variant Classification Scheme 2023. Collection method: clinical testing. Allele origin: germline.
Comment: The p.I260V variant (also known as c.778A>G), located in coding exon 7 of the SZT2 gene, results from an A to G substitution at nucleotide position 778. The isoleucine at codon 260 is replaced by valine, an amino acid with highly similar properties. This amino acid position is highly conserved in available vertebrate species. In addition, this alteration is predicted to be tolerated by in silico analysis. Since supporting evidence is limited at this time, the clinical significance of this alteration remains unclear.

NM_001365999.1(SZT2):c.778A>G (p.Ile260Val)

Gene: SZT2 (SZT2 subunit of KICSTOR complex; plus strand). Cytogenetic location: 1p34.2.
Variant type: single nucleotide variant.
Coding change: c.778A>G on transcript NM_001365999.1 (MANE Select); coding-DNA position 778, A replaced by G.
Protein change: p.Ile260Val; replaces isoleucine 260 with valine.
Molecular consequence: missense variant.
Genome position (GRCh38, 1-based): chr1:43,416,540, A>G. VCF-style: chr1-43416540-A-G. GRCh37 (hg19) VCF-style: chr1-43882211-A-G.
Other names: c.778A>G, p.Ile260Val (NM_015284.4); short protein forms I260V.
Identifiers: ClinVar variation 1760628 (VCV001760628.2), dbSNP rs896985784, ClinGen allele CA21626502.
Genomic context (GRCh38, chr1:43,416,540, plus strand): 5'-TGTGAGTTTGGTCTGGCCAGTGTCTCCAGGTCTGATCTGGTGTTTCCTGCTCCAGGGATT[A>G]TCGTGATCACGGATGGGGTGACCAGTGTACCTGATGTTGCTGTCTGTGAGACACTGCTGA-3'
Protein context (NP_001352928.1, residues 250-270): LLPSNSSAGI[Ile260Val]VITDGVTSVP